The following is an entry in ClinVar:

ClinVar aggregate classification (germline): Benign/Likely benign. Review status: criteria provided, multiple submitters, no conflicts (2 of 4 stars). 4 submissions from 4 submitters: Benign (2); Likely benign (1). 1 of the submissions does not count toward it. Last evaluated 2025-11-18.

Conditions:
NAXD-related disorder. Also called: NAXD-related condition.

Allele frequency attached by ClinVar (database versions not stated): ESP Exome Variant Server 0.00023; gnomAD 0.00042 and 0.00064; TOPMed 0.00050; gnomAD exomes 0.00078 and 0.00124; 1000 Genomes Project 30x 0.00109; 1000 Genomes Project 0.00120; ExAC 0.00149.
gnomAD v4.1: 1,245 of 1,612,772 alleles (0.077%); highest among the groups gnomAD compares: Middle Eastern, 0.58%; 7 homozygotes.

Submissions (4):

Labcorp Genetics (formerly Invitae), Labcorp
Classification: Benign. Last evaluated: 2025-11-18. Review status: criteria provided, single submitter. Criteria: Invitae Variant Classification Sherloc (09022015). Collection method: clinical testing. Allele origin: germline.

CeGaT Center for Human Genetics Tuebingen
Classification: Likely benign. Last evaluated: 2025-09-01. Review status: criteria provided, single submitter. Criteria: CeGaT Center For Human Genetics Tuebingen Variant Classification Criteria Version 2. Collection method: clinical testing. Allele origin: germline. Affected: yes. Observed: 8 variant alleles.
Comment: NAXD: BP4, BP7

Breakthrough Genomics
Classification: Benign. Review status: criteria provided, single submitter. Criteria: ACMG Guidelines, 2015. Collection method: not provided. Allele origin: germline. Inheritance: Autosomal recessive inheritance. Affected: yes.

PreventionGenetics, part of Exact Sciences
Classification: Likely benign for NAXD-related condition. Last evaluated: 2019-08-13. Review status: no assertion criteria provided. Collection method: clinical testing. Allele origin: germline. Not counted in ClinVar's aggregate classification.
Comment: This variant is classified as likely benign based on ACMG/AMP sequence variant interpretation guidelines (Richards et al. 2015 PMID: 25741868, with internal and published modifications).

NM_001242882.2(NAXD):c.60G>A (p.Ala20=)

Gene: NAXD (NAD(P)HX dehydratase; plus strand). Cytogenetic location: 13q34.
Variant type: single nucleotide variant.
Coding change: c.60G>A on transcript NM_001242882.2 (MANE Select); coding-DNA position 60, G replaced by A.
Protein change: p.Ala20=; no amino-acid change (alanine 20 retained).
Molecular consequence: synonymous variant. On other transcripts: non-coding transcript variant (2), intron variant (1).
Genome position (GRCh38, 1-based): chr13:110,622,229, G>A. VCF-style: chr13-110622229-G-A. GRCh37 (hg19) VCF-style: chr13-111274576-G-A.
Other names: c.114G>A, p.Ala38= (NM_001242881.2, NM_018210.4); c.57-5210G>A (NM_001242883.2); c.114G>A (NM_018210.3).
Identifiers: ClinVar variation 1635825 (VCV001635825.34), dbSNP rs141591089, ClinGen allele CA7051030.